The following is an entry in ClinVar:

ClinVar aggregate classification (germline): Uncertain significance (1 of 4 stars; one submission).

gnomAD v4.1: 3 of 1,613,548 alleles (0.00019%); highest among the groups gnomAD compares: Non-Finnish European, 0.00025%; no homozygotes.

Submission:

GeneDx
Classification: Uncertain significance. Last evaluated: 2024-07-09. Review status: criteria provided, single submitter. Criteria: GeneDx Variant Classification Process June 2021. Collection method: clinical testing. Allele origin: germline. Affected: yes.
Comment: Not observed at significant frequency in large population cohorts (gnomAD); Missense variant in a gene in which most reported pathogenic variants are truncating/loss of function; Has not been previously published as pathogenic or benign to our knowledge

NM_001267550.2(TTN):c.82336G>A (p.Ala27446Thr)

Genes: TTN (titin; minus strand), TTN-AS1 (TTN antisense RNA 1; plus strand). Cytogenetic location: 2q31.2.
Variant type: single nucleotide variant.
Coding change: c.82336G>A on transcript NM_001267550.2 (MANE Select); coding-DNA position 82336, G replaced by A.
Protein change: p.Ala27446Thr; replaces alanine 27446 with threonine.
Molecular consequence: missense variant.
Genome position (GRCh38, 1-based): chr2:178,563,796, C>T on the plus strand (G>A on the coding strand, the complement: TTN is on the minus strand). VCF-style: chr2-178563796-C-T. GRCh37 (hg19) VCF-style: chr2-179428523-C-T.
Other names: c.77413G>A, p.Ala25805Thr (NM_001256850.1); c.55141G>A, p.Ala18381Thr (NM_003319.4); c.74632G>A, p.Ala24878Thr (NM_133378.4); c.55516G>A, p.Ala18506Thr (NM_133432.3); c.55717G>A, p.Ala18573Thr (NM_133437.4); short protein forms A18506T, A24878T, A27446T, A18381T, A25805T, A18573T.
Identifiers: ClinVar variation 3572468 (VCV003572468.1).